The following is an entry in ClinVar:

ClinVar aggregate classification (germline): Uncertain significance (1 of 4 stars; one submission).

Conditions:
CTTNBP2-related disorder. Also called: CTTNBP2-related condition.

gnomAD v4.1: 7 of 1,612,632 alleles (0.00043%); highest among the groups gnomAD compares: Admixed American, 0.01%; no homozygotes.

Submission:

PreventionGenetics, part of Exact Sciences
Classification: Uncertain significance for CTTNBP2-related condition. Last evaluated: 2025-06-26. Review status: criteria provided, single submitter. Criteria: ACMG Guidelines, 2015. Collection method: clinical testing. Allele origin: germline.
Comment: The CTTNBP2 c.3353A>C variant is predicted to result in the amino acid substitution p.Glu1118Ala. To our knowledge, this variant has not been reported in the literature or in a large population database (gnomAD), indicating this variant is rare. At this time, the clinical significance of this variant is uncertain due to the absence of conclusive functional and genetic evidence.

NM_033427.3(CTTNBP2):c.3353A>C (p.Glu1118Ala)

Gene: CTTNBP2 (cortactin binding protein 2; minus strand). Cytogenetic location: 7q31.31.
Variant type: single nucleotide variant.
Coding change: c.3353A>C on transcript NM_033427.3 (MANE Select); coding-DNA position 3353, A replaced by C.
Protein change: p.Glu1118Ala; replaces glutamic acid 1118 with alanine.
Molecular consequence: missense variant.
Genome position (GRCh38, 1-based): chr7:117,746,095, T>G on the plus strand (A>C on the coding strand, the complement: CTTNBP2 is on the minus strand). VCF-style: chr7-117746095-T-G. GRCh37 (hg19) VCF-style: chr7-117386149-T-G.
Other names: c.3299A>C, p.Glu1100Ala (NM_001363349.1); c.1256A>C, p.Glu419Ala (NM_001363350.1, NM_001363351.1); short protein forms E1100A, E1118A, E419A.
Identifiers: ClinVar variation 4995856 (VCV004995856.1).